The following is an entry in ClinVar:

ClinVar aggregate classification (germline): Uncertain significance. Review status: criteria provided, single submitter (1 of 4 stars). 3 submissions from 3 submitters: Uncertain significance (1). 2 of the submissions do not count toward it. Last evaluated 2025-05-22.

Conditions:
Bifunctional peroxisomal enzyme deficiency (DBIF). Also called: DBP DEFICIENCY; PBFE DEFICIENCY; D-bifunctional protein deficiency. Identifiers: Orphanet 300, MedGen C0342870, MONDO:0009855, OMIM 261515. Disease mechanism: loss of function.

gnomAD v4.1: 1 of 1,612,764 alleles (0.000062%); highest among the groups gnomAD compares: Middle Eastern, 0.017%; no homozygotes.

Submissions (3):

Women's Health and Genetics/Laboratory Corporation of America, LabCorp
Classification: Uncertain significance. Last evaluated: 2025-05-22. Review status: criteria provided, single submitter. Criteria: LabCorp Variant Classification Summary - May 2015. Collection method: clinical testing. Allele origin: germline.
Comment: Variant summary: HSD17B4 c.661C>T (p.Leu221Phe) results in a non-conservative amino acid change located in the NAD(P)-binding domain (IPR036291) of the encoded protein sequence. Algorithms developed to predict the effect of missense changes on protein structure and function all suggest that this variant is likely to be disruptive. The variant was absent in 251202 control chromosomes. c.661C>T has been reported in the literature in two siblings affected with D-Bifunctional Protein Deficiency (Amor_2016). These data indicate that the variant may be associated with disease. To our knowledge, no experimental evidence demonstrating an impact on protein function has been reported. The following publication has been ascertained in the context of this evaluation (PMID: 27790638). ClinVar contains an entry for this variant (Variation ID: 558703). Based on the evidence outlined above, the variant was classified as VUS-possibly pathogenic.

Natera, Inc.
Classification: Uncertain significance for Bifunctional peroxisomal enzyme deficiency. Last evaluated: 2025-01-31. Review status: no assertion criteria provided. Collection method: clinical testing. Allele origin: germline. Not counted in ClinVar's aggregate classification.

Counsyl
Classification: Uncertain significance for Bifunctional peroxisomal enzyme deficiency. Last evaluated: 2018-06-06. Review status: no assertion criteria provided. Collection method: clinical testing. Allele origin: unknown. Not counted in ClinVar's aggregate classification.

Literature cited by the submitters: PubMed 27790638 (cited by Women's Health and Genetics/Laboratory Corporation of America, LabCorp and Counsyl).

NM_000414.4(HSD17B4):c.661C>T (p.Leu221Phe)

Gene: HSD17B4 (hydroxysteroid 17-beta dehydrogenase 4; plus strand). Cytogenetic location: 5q23.1.
Variant type: single nucleotide variant.
Coding change: c.661C>T on transcript NM_000414.4 (MANE Select); coding-DNA position 661, C replaced by T.
Protein change: p.Leu221Phe; replaces leucine 221 with phenylalanine.
Molecular consequence: missense variant.
Genome position (GRCh38, 1-based): chr5:119,489,230, C>T. VCF-style: chr5-119489230-C-T. GRCh37 (hg19) VCF-style: chr5-118824925-C-T.
Other names: c.736C>T, p.Leu246Phe (NM_001199291.3); c.607C>T, p.Leu203Phe (NM_001199292.2); c.589C>T, p.Leu197Phe (NM_001292027.2); c.241C>T, p.Leu81Phe (NM_001292028.2); short protein forms L221F, L197F, L246F, L203F, L81F.
Identifiers: ClinVar variation 558703 (VCV000558703.5), dbSNP rs1554064092, ClinGen allele CA360866944.